The following is an entry in ClinVar:

ClinVar aggregate classification (germline): Conflicting classifications of pathogenicity. Review status: criteria provided, conflicting classifications (1 of 4 stars). 2 submissions from 2 submitters: Uncertain significance (1); Likely benign (1). Last evaluated 2023-08-14.

Conditions:
Congenital contractural arachnodactyly (CCA). Also called: Beals-Hecht syndrome; BEALS SYNDROME; Arthrogryposis, distal, type 9. Identifiers: Orphanet 115, MedGen C0220668, MONDO:0007363, OMIM 121050.

Allele frequency attached by ClinVar (database versions not stated): TOPMed below 0.00001; gnomAD 0.00001; gnomAD exomes 0.00001.
gnomAD v4.1: 9 of 1,610,716 alleles (0.00056%); highest among the groups gnomAD compares: East Asian, 0.0022%; no homozygotes.

Submissions (2):

Labcorp Genetics (formerly Invitae), Labcorp
Classification: Likely benign for Congenital contractural arachnodactyly. Last evaluated: 2023-08-14. Review status: criteria provided, single submitter. Criteria: Invitae Variant Classification Sherloc (09022015). Collection method: clinical testing. Allele origin: germline.

GeneDx
Classification: Uncertain significance. Last evaluated: 2013-11-04. Review status: criteria provided, single submitter. Criteria: GeneDx Variant Classification (06012015). Collection method: clinical testing. Allele origin: germline. Affected: yes.
Comment: p.Arg2353Cys (CGT>TGT): c.7057 C>T in exon 56 of the FBN2 gene (NM_001999.3) The Arg2353Cys variant in the FBN2 gene has not been reported as a disease-causing mutation or as a benign polymorphism to our knowledge. Arg2353Cys results in a non-conservative amino acid substitution of positively charged Arginine with a neutral, polar Cysteine at a position that is class conserved across species. In silico analysis predicts Arg2353Cys is damaging to the protein structure/function. The Arg2353Cys variant was not observed in approximately 6,500 individuals of European and African American ancestry in the NHLBI Exome Sequencing Project, indicating it is not a common benign variant in these populations. Nevetheless, no mutations in nearby residues have been reported in association with contractural arachnodactyl. With the clinical and molecular information available at this time, we cannot definitively determine if Arg2353Cys is a disease-causing mutation or a rare benign variant. This variant was found in TAAD

NM_001999.4(FBN2):c.7057C>T (p.Arg2353Cys)

Gene: FBN2 (fibrillin 2; minus strand). Cytogenetic location: 5q23.3.
Variant type: single nucleotide variant.
Coding change: c.7057C>T on transcript NM_001999.4 (MANE Select); coding-DNA position 7057, C replaced by T.
Protein change: p.Arg2353Cys; replaces arginine 2353 with cysteine.
Molecular consequence: missense variant.
Genome position (GRCh38, 1-based): chr5:128,280,273, G>A on the plus strand (C>T on the coding strand, the complement: FBN2 is on the minus strand). VCF-style: chr5-128280273-G-A. GRCh37 (hg19) VCF-style: chr5-127615965-G-A.
Other names: short protein forms R2353C.
Identifiers: ClinVar variation 213355 (VCV000213355.5), dbSNP rs863223586, ClinGen allele CA320450.
Genomic context (GRCh38, chr5:128,280,273, plus strand): 5'-AACTTGACTGGAATCCTTCATTACACTCACATCTATAGCTTCCAATAATGTTAACACAAC[G>A]TCCATTTTCACAGATTCCTGGCTTGGTCCTGCATTCATTTTCATCTTTAGAAAAACAAAC-3'
Protein context (NP_001990.2, residues 2343-2363): RTKPGICENG[Arg2353Cys]CVNIIGSYRC